The following is an entry in ClinVar:

ClinVar aggregate classification (germline): Uncertain significance (1 of 4 stars; one submission).

Conditions:
Developmental and epileptic encephalopathy, 23 (DEE23). Also called: Epileptic encephalopathy, early infantile, 23. Identifiers: Orphanet 411986, MedGen C4014492, MONDO:0014371, OMIM 615859.

Submission:

Labcorp Genetics (formerly Invitae), Labcorp
Classification: Uncertain significance for Developmental and epileptic encephalopathy, 23. Last evaluated: 2019-12-19. Review status: criteria provided, single submitter. Criteria: Invitae Variant Classification Sherloc (09022015). Collection method: clinical testing. Allele origin: germline.
Comment: In summary, the available evidence is currently insufficient to determine the role of this variant in disease. Therefore, it has been classified as a Variant of Uncertain Significance. Algorithms developed to predict the effect of missense changes on protein structure and function are either unavailable or do not agree on the potential impact of this missense change (SIFT: "Tolerated"; PolyPhen-2: "Possibly Damaging"; Align-GVGD: "Class C0"). This variant has not been reported in the literature in individuals with DOCK7-related conditions. This variant is not present in population databases (ExAC no frequency). This sequence change replaces glycine with valine at codon 356 of the DOCK7 protein (p.Gly356Val). The glycine residue is moderately conserved and there is a moderate physicochemical difference between glycine and valine.

NM_001367561.1(DOCK7):c.1067G>T (p.Gly356Val)

Gene: DOCK7 (dedicator of cytokinesis 7; minus strand). Cytogenetic location: 1p31.3.
Variant type: single nucleotide variant.
Coding change: c.1067G>T on transcript NM_001367561.1 (MANE Select); coding-DNA position 1067, G replaced by T.
Protein change: p.Gly356Val; replaces glycine 356 with valine.
Molecular consequence: missense variant.
Genome position (GRCh38, 1-based): chr1:62,633,547, C>A on the plus strand (G>T on the coding strand, the complement: DOCK7 is on the minus strand). VCF-style: chr1-62633547-C-A. GRCh37 (hg19) VCF-style: chr1-63099218-C-A.
Other names: c.1067G>T, p.Gly356Val (NM_001271999.2, NM_001272000.2, NM_001272001.2 and 3 more transcripts); short protein forms G356V.
Identifiers: ClinVar variation 846028 (VCV000846028.12), dbSNP rs1654883286, ClinGen allele CA340621260.